The following is an entry in ClinVar:

NM_006371.5(CRTAP):c.802G>A (p.Val268Ile)

Gene: CRTAP (cartilage associated protein; plus strand). Cytogenetic location: 3p22.3.
Variant type: single nucleotide variant.
Coding change: c.802G>A on transcript NM_006371.5 (MANE Select); coding-DNA position 802, G replaced by A.
Protein change: p.Val268Ile; replaces valine 268 with isoleucine.
Molecular consequence: missense variant. On other transcripts: intron variant (1).
Genome position (GRCh38, 1-based): chr3:33,129,947, G>A. VCF-style: chr3-33129947-G-A. GRCh37 (hg19) VCF-style: chr3-33171439-G-A.
Other names: c.802G>A, p.Val268Ile (NM_001393363.1); c.652G>A, p.Val218Ile (NM_001393365.1); c.794-2608G>A (NM_001393364.1); short protein forms V218I, V268I.
Identifiers: ClinVar variation 1509892 (VCV001509892.6), dbSNP rs112423184, ClinGen allele CA72668052.
Genomic context (GRCh38, chr3:33,129,947, plus strand): 5'-ATTAAGAAAGTAATGGATCCACTGCTCTGAAAATTTATATGTTTTGTTTCAGATCATTAT[G>A]TAGAAGTTCTGGAATGCAAAATACAGTGTGAAGAGAACCTCACCCCAGTTATAGGAGGCT-3'
Protein context (NP_006362.1, residues 258-278): DFYLSIADHY[Val268Ile]EVLECKIQCE

ClinVar aggregate classification (germline): Conflicting classifications of pathogenicity. Review status: criteria provided, conflicting classifications (1 of 4 stars). 2 submissions from 2 submitters: Uncertain significance (1); Likely benign (1). Last evaluated 2025-09-02.

Conditions:
Osteogenesis imperfecta type 7 (OI7). Also called: OSTEOGENESIS IMPERFECTA, TYPE IIB; Osteogenesis imperfecta type 2B; OI type 2B; Osteogenesis imperfecta, perinatal lethal autosomal recessive; OI type IIB; OI type 7. Identifiers: MedGen C1853162, MONDO:0012536, OMIM 610682.

Allele frequency attached by ClinVar (database versions not stated): gnomAD exomes 0.00001.
gnomAD v4.1: 19 of 1,613,320 alleles (0.0012%); highest among the groups gnomAD compares: African/African-American, 0.011%; no homozygotes.

Submissions (2):

Labcorp Genetics (formerly Invitae), Labcorp
Classification: Uncertain significance for Osteogenesis imperfecta type 7. Last evaluated: 2025-09-02. Review status: criteria provided, single submitter. Criteria: Invitae Variant Classification Sherloc (09022015). Collection method: clinical testing. Allele origin: germline.
Comment: This sequence change replaces valine, which is neutral and non-polar, with isoleucine, which is neutral and non-polar, at codon 268 of the CRTAP protein (p.Val268Ile). This variant is not present in population databases (gnomAD no frequency). This variant has not been reported in the literature in individuals affected with CRTAP-related conditions. ClinVar contains an entry for this variant (Variation ID: 1509892). Invitae Evidence Modeling of protein sequence and biophysical properties (such as structural, functional, and spatial information, amino acid conservation, physicochemical variation, residue mobility, and thermodynamic stability) indicates that this missense variant is not expected to disrupt CRTAP protein function with a negative predictive value of 80%. In summary, the available evidence is currently insufficient to determine the role of this variant in disease. Therefore, it has been classified as a Variant of Uncertain Significance.

3billion
Classification: Likely benign for Osteogenesis imperfecta type 7. Last evaluated: 2024-09-20. Review status: criteria provided, single submitter. Criteria: ACMG Guidelines, 2015. Collection method: clinical testing. Allele origin: germline. Affected: no.
Comment: The homozygous variant was found in patients diagnosed with another variant in a different gene, with no symptoms related to the gene containing the homozygous variant.